The following is an entry in ClinVar:

ClinVar aggregate classification (germline): Likely benign (1 of 4 stars; one submission).

gnomAD v4.1: 11,813 of 1,614,204 alleles (0.73%); highest among the groups gnomAD compares: Non-Finnish European, 0.86%; 39 homozygotes.

Submission:

CeGaT Center for Human Genetics Tuebingen
Classification: Likely benign. Last evaluated: 2026-08-01. Review status: criteria provided, single submitter. Criteria: CeGaT Center For Human Genetics Tuebingen Variant Classification Criteria Version 2. Collection method: clinical testing. Allele origin: germline. Affected: yes. Observed: 3 variant alleles.
Comment: MIA3: BP4, BS2

NM_198551.4(MIA3):c.2500A>G (p.Ile834Val)

Gene: MIA3 (MIA SH3 domain ER export factor 3; plus strand). Cytogenetic location: 1q41.
Variant type: single nucleotide variant.
Coding change: c.2500A>G on transcript NM_198551.4 (MANE Select); coding-DNA position 2500, A replaced by G.
Protein change: p.Ile834Val; replaces isoleucine 834 with valine.
Molecular consequence: missense variant.
Genome position (GRCh38, 1-based): chr1:222,629,720, A>G. VCF-style: chr1-222629720-A-G. GRCh37 (hg19) VCF-style: chr1-222803062-A-G.
Other names: c.2500A>G, p.Ile834Val (NM_001324062.2, NM_001324063.2); c.2008A>G, p.Ile670Val (NM_001324064.2); short protein forms I670V, I834V.
Identifiers: ClinVar variation 4820686 (VCV004820686.4).
Genomic context (GRCh38, chr1:222,629,720, plus strand): 5'-CGCCCTCTGGCAGATAAGAAAGCACAGAGACCATTTGAACGAAGTGACTTTTCTGACAGC[A>G]TAAAAATTCAGACTCCAGAATTAGGTGAAGTGTTTCAGAATAAAGATTCTGATTATCTGA-3'
Protein context (NP_940953.2, residues 824-844): PFERSDFSDS[Ile834Val]KIQTPELGEV